The following is an entry in ClinVar:

NM_001142864.4(PIEZO1):c.6584C>T (p.Ser2195Leu)

Gene: PIEZO1 (piezo type mechanosensitive ion channel component 1 (Er blood group); minus strand). Cytogenetic location: 16q24.3.
Variant type: single nucleotide variant.
Coding change: c.6584C>T on transcript NM_001142864.4 (MANE Select); coding-DNA position 6584, C replaced by T.
Protein change: p.Ser2195Leu; replaces serine 2195 with leucine.
Molecular consequence: missense variant.
Genome position (GRCh38, 1-based): chr16:88,717,099, G>A on the plus strand (C>T on the coding strand, the complement: PIEZO1 is on the minus strand). VCF-style: chr16-88717099-G-A. GRCh37 (hg19) VCF-style: chr16-88783507-G-A.
Other names: c.5126C>T, p.Ser1709Leu (NM_014745.1); c.6584C>T (NM_001142864.3); short protein forms S1709L, S2195L.
Identifiers: ClinVar variation 2434781 (VCV002434781.7), dbSNP rs766429217, ClinGen allele CA8231552.

ClinVar aggregate classification (germline): Conflicting classifications of pathogenicity. Review status: criteria provided, conflicting classifications (1 of 4 stars). 3 submissions from 3 submitters: Uncertain significance (1); Benign (1). 1 of the submissions does not count toward it. Last evaluated 2022-11-15.

Conditions:
PIEZO1-related disorder. Also called: PIEZO1-related condition; PIEZO1-Related Disorders.

Allele frequency attached by ClinVar (database versions not stated): TOPMed 0.00007; ExAC 0.00009; gnomAD 0.00009; gnomAD exomes 0.00015.
gnomAD v4.1: 218 of 1,551,174 alleles (0.014%); highest among the groups gnomAD compares: Non-Finnish European, 0.018%; no homozygotes.

Submissions (3):

Labcorp Genetics (formerly Invitae), Labcorp
Classification: Benign. Last evaluated: 2022-11-15. Review status: criteria provided, single submitter. Criteria: Invitae Variant Classification Sherloc (09022015). Collection method: clinical testing. Allele origin: germline.

Revvity Omics, Revvity
Classification: Uncertain significance. Last evaluated: 2022-08-29. Review status: criteria provided, single submitter. Criteria: ACMG Guidelines, 2015. Collection method: clinical testing. Allele origin: germline.

PreventionGenetics, part of Exact Sciences
Classification: Uncertain significance for PIEZO1-related condition. Last evaluated: 2024-08-16. Review status: no assertion criteria provided. Collection method: clinical testing. Allele origin: germline. Not counted in ClinVar's aggregate classification.
Comment: The PIEZO1 c.6584C>T variant is predicted to result in the amino acid substitution p.Ser2195Leu. This variant has been reported in the compound heterozygous state in an individual with fetal lethality (Table 3, Najafi et al. 2021. PubMed ID: 33772059) and was also reported compound heterozygous in an individual with prune belly syndrome (Amado et al. 2024. PubMed ID: 38184690). A functional study using HEK293T cells shows that this variant affects channel gaiting and decreased sensitivity to pressure changes (Amado et al. 2024. PubMed ID: 38184690). This variant is reported in 0.018% of alleles in individuals of South Asian descent in gnomAD. At this time, the clinical significance of this variant is uncertain due to the absence of conclusive functional and genetic evidence.